The following is an entry in ClinVar:

ClinVar aggregate classification (germline): Benign/Likely benign. Review status: criteria provided, multiple submitters, no conflicts (2 of 4 stars). 3 submissions from 3 submitters: Benign (1); Likely benign (1). 1 of the submissions does not count toward it. Last evaluated 2025-11-15.

Conditions:
PRPF4-related disorder. Also called: PRPF4-related condition.

Allele frequency attached by ClinVar (database versions not stated): gnomAD exomes 0.00006 and 0.00021; ExAC 0.00025; gnomAD 0.00053 and 0.00056; TOPMed 0.00061; ESP Exome Variant Server 0.00108; 1000 Genomes Project 0.00140; 1000 Genomes Project 30x 0.00172.
gnomAD v4.1: 172 of 1,614,142 alleles (0.011%); highest among the groups gnomAD compares: African/African-American, 0.19%; no homozygotes.

Submissions (3):

Labcorp Genetics (formerly Invitae), Labcorp
Classification: Benign. Last evaluated: 2025-11-15. Review status: criteria provided, single submitter. Criteria: Invitae Variant Classification Sherloc (09022015). Collection method: clinical testing. Allele origin: germline.

Blueprint Genetics
Classification: Likely benign. Last evaluated: 2023-08-17. Review status: criteria provided, single submitter. Criteria: ACMG Guidelines, 2015. Collection method: clinical testing. Allele origin: germline.

PreventionGenetics, part of Exact Sciences
Classification: Likely benign for PRPF4-related condition. Last evaluated: 2019-07-31. Review status: no assertion criteria provided. Collection method: clinical testing. Allele origin: germline. Not counted in ClinVar's aggregate classification.
Comment: This variant is classified as likely benign based on ACMG/AMP sequence variant interpretation guidelines (Richards et al. 2015 PMID: 25741868, with internal and published modifications).

NM_001244926.2(PRPF4):c.1521C>T (p.Ala507=)

Gene: PRPF4 (pre-mRNA splicing tri-snRNP complex factor PRPF4; plus strand). Cytogenetic location: 9q32.
Variant type: single nucleotide variant.
Coding change: c.1521C>T on transcript NM_001244926.2 (MANE Select); coding-DNA position 1521, C replaced by T.
Protein change: p.Ala507=; no amino-acid change (alanine 507 retained).
Molecular consequence: synonymous variant. On other transcripts: non-coding transcript variant (2).
Genome position (GRCh38, 1-based): chr9:113,291,615, C>T. VCF-style: chr9-113291615-C-T. GRCh37 (hg19) VCF-style: chr9-116053895-C-T.
Other names: c.795C>T, p.Ala265= (NM_001322266.2, NM_001322267.2); c.1524C>T, p.Ala508= (NM_004697.5).
Identifiers: ClinVar variation 728473 (VCV000728473.14), dbSNP rs146201781, ClinGen allele CA5195191.
Genomic context (GRCh38, chr9:113,291,615, plus strand): 5'-GGCTGGCCACGAAGGCAAAGTGATGGGCCTAGATATTTCTTCCGATGGGCAGCTCATAGC[C>T]ACTTGCTCATATGACAGGACCTTCAAGCTGTGGATGGCTGAATAGATGACAATGGGAAAA-3'
Protein context (NP_001231855.1, residues 497-517): LDISSDGQLI[Ala507=]TCSYDRTFKL